The following is an entry in ClinVar:

ClinVar aggregate classification (germline): Uncertain significance (1 of 4 stars; one submission).

Conditions:
IFT172-related disorder. Also called: IFT172-related condition; IFT172-related disorders.

Submission:

PreventionGenetics, part of Exact Sciences
Classification: Uncertain significance for IFT172-related condition. Last evaluated: 2023-02-09. Review status: criteria provided, single submitter. Criteria: ACMG Guidelines, 2015. Collection method: clinical testing. Allele origin: germline.
Comment: The IFT172 c.1660G>T variant is predicted to result in the amino acid substitution p.Ala554Ser. To our knowledge, this variant has not been reported in the literature or in a large population database, indicating this variant is rare. At this time, the clinical significance of this variant is uncertain due to the absence of conclusive functional and genetic evidence.

NM_015662.3(IFT172):c.1660G>T (p.Ala554Ser)

Gene: IFT172 (intraflagellar transport 172; minus strand). Cytogenetic location: 2p23.3.
Variant type: single nucleotide variant.
Coding change: c.1660G>T on transcript NM_015662.3 (MANE Select); coding-DNA position 1660, G replaced by T.
Protein change: p.Ala554Ser; replaces alanine 554 with serine.
Molecular consequence: missense variant.
Genome position (GRCh38, 1-based): chr2:27,470,960, C>A on the plus strand (G>T on the coding strand, the complement: IFT172 is on the minus strand). VCF-style: chr2-27470960-C-A. GRCh37 (hg19) VCF-style: chr2-27693827-C-A.
Other names: c.1594G>T, p.Ala532Ser (NM_001410739.1); short protein forms A532S, A554S.
Identifiers: ClinVar variation 2629947 (VCV002629947.1), dbSNP rs2465943447, ClinGen allele CA346389623.